The following is an entry in ClinVar:

NM_001267550.2(TTN):c.85525dup (p.Ser28509fs)

Genes: TTN-AS1 (TTN antisense RNA 1; plus strand), TTN (titin; minus strand). Cytogenetic location: 2q31.2.
Variant type: Duplication.
Coding change: c.85525dup on transcript NM_001267550.2 (MANE Select); coding-DNA position 85525, one base duplicated (T; older notation c.85525dupT).
Protein change: p.Ser28509fs; shifts the reading frame from serine 28509.
Molecular consequence: frameshift variant.
Genome position (GRCh38, 1-based): chr2:178,560,607, A duplicated on the plus strand (T on the coding strand, the reverse complement: TTN is on the minus strand). VCF-style (leftmost placement, unchanged base first): chr2-178560606-G-GA. GRCh37 (hg19) VCF-style: chr2-179425333-G-GA.
Other names: c.80602dup, p.Ser26868fs (NM_001256850.1); c.58330dup, p.Ser19444fs (NM_003319.4); c.77821dup, p.Ser25941fs (NM_133378.4); c.58705dup, p.Ser19569fs (NM_133432.3); c.58906dup, p.Ser19636fs (NM_133437.4); short protein forms S19444fs, S19569fs, S19636fs, S25941fs, S26868fs, S28509fs.
Identifiers: ClinVar variation 1066850 (VCV001066850.9), dbSNP rs2154158897, ClinGen allele CA2499215339.

ClinVar aggregate classification (germline): Likely pathogenic (1 of 4 stars; one submission).

Conditions:
Dilated cardiomyopathy 1G (CMD1G). Identifiers: Orphanet 154, MedGen C1858763, MONDO:0011400, OMIM 604145.
Autosomal recessive limb-girdle muscular dystrophy type 2J (LGMDR10). Also called: Limb-girdle muscular dystrophy, type 2J; MUSCULAR DYSTROPHY, LIMB-GIRDLE, AUTOSOMAL RECESSIVE 10. Identifiers: Orphanet 140922, MedGen C1837342, MONDO:0012127, OMIM 608807.

Submission:

Labcorp Genetics (formerly Invitae), Labcorp
Classification: Likely pathogenic for Dilated cardiomyopathy 1G; Autosomal recessive limb-girdle muscular dystrophy type 2J. Last evaluated: 2020-09-29. Review status: criteria provided, single submitter. Criteria: Invitae Variant Classification Sherloc (09022015). Collection method: clinical testing. Allele origin: germline.
Comment: This variant is not present in population databases (ExAC no frequency). This sequence change results in a premature translational stop signal in the TTN gene (p.Ser28509Phefs*3). While this is not anticipated to result in nonsense mediated decay, it is expected to create a truncated TTN protein. This variant has not been reported in the literature in individuals with TTN-related conditions. In summary, the currently available evidence indicates that the variant is pathogenic, but additional data are needed to prove that conclusively. Therefore, this variant has been classified as Likely Pathogenic. This variant is located in the A band of TTN (PMID: 25589632). Truncating variants in this region are significantly overrepresented in patients affected with dilated cardiomyopathy (PMID: 25589632). Truncating variants in this region have also been reported in individuals affected with autosomal recessive centronuclear myopathy (PMID: 23975875).

Literature cited by the submitters: PubMed 25589632; PubMed 23975875.